The following is an entry in ClinVar:

NM_004239.4(TRIP11):c.115A>T (p.Met39Leu)

Gene: TRIP11 (thyroid hormone receptor interactor 11; minus strand). Cytogenetic location: 14q32.12.
Variant type: single nucleotide variant.
Coding change: c.115A>T on transcript NM_004239.4 (MANE Select); coding-DNA position 115, A replaced by T.
Protein change: p.Met39Leu; replaces methionine 39 with leucine.
Molecular consequence: missense variant.
Genome position (GRCh38, 1-based): chr14:92,039,571, T>A on the plus strand (A>T on the coding strand, the complement: TRIP11 is on the minus strand). VCF-style: chr14-92039571-T-A. GRCh37 (hg19) VCF-style: chr14-92505915-T-A.
Other names: c.115A>T, p.Met39Leu (NM_001321851.1); short protein forms M39L.
Identifiers: ClinVar variation 314980 (VCV000314980.27), dbSNP rs17127898, ClinGen allele CA7314301.

ClinVar aggregate classification (germline): Benign/Likely benign. Review status: criteria provided, multiple submitters, no conflicts (2 of 4 stars). 6 submissions from 6 submitters: Benign (5); Likely benign (1). Last evaluated 2026-05-09.

Conditions:
Achondrogenesis, type IA (ACG1A). Identifiers: Orphanet 932, Orphanet 93299, MedGen C0265273, MONDO:0008701, OMIM 200600.

Allele frequency attached by ClinVar (database versions not stated): 1000 Genomes Project 30x 0.03389; TOPMed 0.05307; 1000 Genomes Project 0.03335; gnomAD 0.05955 and 0.06056; ESP Exome Variant Server 0.06405; gnomAD exomes 0.07927 and 0.06336; ExAC 0.06613.
gnomAD v4.1: 124,589 of 1,613,740 alleles (7.7%); highest among the groups gnomAD compares: Non-Finnish European, 8.8%; 5,390 homozygotes.

Submissions (6):

Women's Health and Genetics/Laboratory Corporation of America, LabCorp
Classification: Likely benign. Last evaluated: 2026-05-09. Review status: criteria provided, single submitter. Criteria: LabCorp Variant Classification Summary - May 2015. Collection method: clinical testing. Allele origin: germline.

Labcorp Genetics (formerly Invitae), Labcorp
Classification: Benign for Achondrogenesis, type IA. Last evaluated: 2026-02-04. Review status: criteria provided, single submitter. Criteria: Invitae Variant Classification Sherloc (09022015). Collection method: clinical testing. Allele origin: germline.

ARUP Laboratories, Molecular Genetics and Genomics, ARUP Laboratories
Classification: Benign. Last evaluated: 2025-05-23. Review status: criteria provided, single submitter. Criteria: ARUP Molecular Germline Variant Investigation Process 2024. Collection method: clinical testing. Allele origin: germline.

Illumina Laboratory Services, Illumina
Classification: Benign for Achondrogenesis, type IA. Last evaluated: 2018-01-13. Review status: criteria provided, single submitter. Criteria: ICSL Variant Classification Criteria 13 December 2019. Collection method: clinical testing. Allele origin: germline.
Comment: This variant was observed in the ICSL laboratory as part of a predisposition screen in an ostensibly healthy population. It had not been previously curated by ICSL or reported in the Human Gene Mutation Database (HGMD: prior to June 1st, 2018), and was therefore a candidate for classification through an automated scoring system. Utilizing variant allele frequency, disease prevalence and penetrance estimates, and inheritance mode, an automated score was calculated to assess if this variant is too frequent to cause the disease. Based on the score and internal cut-off values, a variant classified as benign is not then subjected to further curation. The score for this variant resulted in a classification of benign for this disease.

GeneDx
Classification: Benign. Last evaluated: 2016-08-04. Review status: criteria provided, single submitter. Criteria: GeneDx Variant Classification (06012015). Collection method: clinical testing. Allele origin: germline. Affected: yes.
Comment: This variant is considered likely benign or benign based on one or more of the following criteria: it is a conservative change, it occurs at a poorly conserved position in the protein, it is predicted to be benign by multiple in silico algorithms, and/or has population frequency not consistent with disease.

Breakthrough Genomics
Classification: Benign. Review status: criteria provided, single submitter. Criteria: ACMG Guidelines, 2015. Collection method: not provided. Allele origin: germline. Inheritance: Autosomal recessive inheritance. Affected: yes.